The following is an entry in ClinVar:

ClinVar aggregate classification (germline): Uncertain significance. Review status: criteria provided, single submitter (1 of 4 stars). 2 submissions from 2 submitters: Uncertain significance (1). 1 of the submissions does not count toward it. Last evaluated 2024-05-12.

Conditions:
FOXF2-related disorder. Also called: FOXF2-related condition.

gnomAD v4.1: 34 of 1,455,516 alleles (0.0023%); highest among the groups gnomAD compares: Non-Finnish European, 0.0028%; no homozygotes.

Submissions (2):

Ambry Genetics
Classification: Uncertain significance. Last evaluated: 2024-05-12. Review status: criteria provided, single submitter. Criteria: Ambry Variant Classification Scheme 2023. Collection method: clinical testing. Allele origin: germline.

PreventionGenetics, part of Exact Sciences
Classification: Uncertain significance for FOXF2-related condition. Last evaluated: 2024-08-28. Review status: no assertion criteria provided. Collection method: clinical testing. Allele origin: germline. Not counted in ClinVar's aggregate classification.
Comment: The FOXF2 c.196G>A variant is predicted to result in the amino acid substitution p.Ala66Thr. To our knowledge, this variant has not been reported in the literature. This variant is reported in 0.0054% of alleles in individuals of European (Non-Finnish) descent in gnomAD. At this time, the clinical significance of this variant is uncertain due to the absence of conclusive functional and genetic evidence.

NM_001452.2(FOXF2):c.196G>A (p.Ala66Thr)

Genes: FOXF2 (forkhead box F2; plus strand), FOXF2-DT (FOXF2 divergent transcript; minus strand). Cytogenetic location: 6p25.3.
Variant type: single nucleotide variant.
Coding change: c.196G>A on transcript NM_001452.2 (MANE Select); coding-DNA position 196, G replaced by A.
Protein change: p.Ala66Thr; replaces alanine 66 with threonine.
Molecular consequence: missense variant.
Genome position (GRCh38, 1-based): chr6:1,390,143, G>A. VCF-style: chr6-1390143-G-A. GRCh37 (hg19) VCF-style: chr6-1390378-G-A.
Other names: short protein forms A66T.
Identifiers: ClinVar variation 3279585 (VCV003279585.2).
Genomic context (GRCh38, chr6:1,390,143, plus strand): 5'-TCCTCCTCCTCGTCGTCGTCCTCCGCCTCCTGCGCCTCGTCCTCGTCCTCCTCCAATTCG[G>A]CCAGCGCCCCCTCGGCTGCCTGCAAGAGCGCGGGCGGCGGCGGCGCGGGCGCCGGGAGCG-3'
Protein context (NP_001443.1, residues 56-76): CASSSSSSNS[Ala66Thr]SAPSAACKSA